The following is an entry in ClinVar:

ClinVar aggregate classification (germline): Uncertain significance (1 of 4 stars; one submission).

Conditions:
Hereditary cancer-predisposing syndrome. Also called: Neoplastic Syndromes, Hereditary; Tumor predisposition; Hereditary neoplastic syndrome; Hereditary Cancer Syndrome. Identifiers: Orphanet 140162, MedGen C0027672, MeSH D009386, MONDO:0015356.

Submission:

Ambry Genetics
Classification: Uncertain significance for Hereditary cancer-predisposing syndrome. Last evaluated: 2026-07-07. Review status: criteria provided, single submitter. Criteria: Ambry Variant Classification Scheme 2023. Collection method: clinical testing. Allele origin: germline.
Comment: The p.E214V variant (also known as c.641A>T), located in coding exon 7 of the BRCA2 gene, results from an A to T substitution at nucleotide position 641. The glutamic acid at codon 214 is replaced by valine, an amino acid with dissimilar properties. This amino acid position is conserved. In addition, this alteration is predicted to be tolerated by in silico analysis. Based on the available evidence, the clinical significance of this variant remains unclear.

NM_000059.4(BRCA2):c.641A>T (p.Glu214Val)

Gene: BRCA2 (BRCA2 DNA repair associated; plus strand). Cytogenetic location: 13q13.1.
Variant type: single nucleotide variant.
Coding change: c.641A>T on transcript NM_000059.4 (MANE Select); coding-DNA position 641, A replaced by T.
Protein change: p.Glu214Val; replaces glutamic acid 214 with valine.
Molecular consequence: missense variant. On other transcripts: non-coding transcript variant (1).
Genome position (GRCh38, 1-based): chr13:32,329,452, A>T. VCF-style: chr13-32329452-A-T. GRCh37 (hg19) VCF-style: chr13-32903589-A-T.
Other names: c.641A>T, p.Glu214Val (NM_001406719.1, NM_001406720.1, NM_001406721.1 and 1 more transcripts); c.272A>T, p.Glu91Val (NM_001406722.1); short protein forms E214V, E91V.
Identifiers: ClinVar variation 5033292 (VCV005033292.1).